The following is an entry in ClinVar:

NM_000059.4(BRCA2):c.9808del (p.Ala3270fs)

Gene: BRCA2 (BRCA2 DNA repair associated; plus strand). Cytogenetic location: 13q13.1.
Variant type: Deletion.
Coding change: c.9808del on transcript NM_000059.4 (MANE Select); coding-DNA position 9808, one base deleted (G; older notation c.9808delG).
Protein change: p.Ala3270fs; shifts the reading frame from alanine 3270.
Molecular consequence: frameshift variant.
Genome position (GRCh38, 1-based): chr13:32,398,321, G deleted. VCF-style (leftmost placement, unchanged base first): chr13-32398320-AG-A. GRCh37 (hg19) VCF-style: chr13-32972457-AG-A.
Other names: 10036delG; c.9808delG (NM_000059.3).
Identifiers: ClinVar variation 91534 (VCV000091534.21), dbSNP rs398122622, ClinGen allele CA026301.

ClinVar aggregate classification (germline): Pathogenic. Review status: reviewed by expert panel (3 of 4 stars). 8 submissions from 8 submitters: Pathogenic (1). 7 of the submissions do not count toward it. Last evaluated 2016-09-08.

Conditions:
Hereditary cancer-predisposing syndrome. Also called: Tumor predisposition; Hereditary Cancer Syndrome; Neoplastic Syndromes, Hereditary; Hereditary neoplastic syndrome. Identifiers: Orphanet 140162, MedGen C0027672, MeSH D009386, MONDO:0015356.
Hereditary breast ovarian cancer syndrome. Also called: Breast and ovarian cancer; Hereditary breast and ovarian cancer; Hereditary breast and ovarian cancer syndrome; BRCA1- and BRCA2-Associated Hereditary Breast and Ovarian Cancer; Hereditary breast and ovarian cancer syndrome (HBOC); Hereditary breast and/or ovarian cancer syndrome. Identifiers: Orphanet 145, MedGen C0677776, MeSH D061325, MONDO:0003582. Disease mechanism: loss of function.
Breast-ovarian cancer, familial, susceptibility to, 2 (BROVCA2). Also called: BRCA2 Hereditary Breast and Ovarian Cancer. Identifiers: Orphanet 145, MedGen C2675520, MONDO:0012933, OMIM 612555. Disease mechanism: loss of function.

Allele frequency attached by ClinVar (database versions not stated): gnomAD exomes below 0.00001.

Submissions (8):

Evidence-based Network for the Interpretation of Germline Mutant Alleles (ENIGMA)
Classification: Pathogenic for Breast-ovarian cancer, familial, susceptibility to, 2. Last evaluated: 2016-09-08. Review status: reviewed by expert panel. Criteria: ENIGMA BRCA1/2 Classification Criteria (2015). Collection method: curation. Allele origin: germline.
Comment: Variant allele predicted to encode a truncated non-functional protein.

Labcorp Genetics (formerly Invitae), Labcorp
Classification: Pathogenic for Hereditary breast ovarian cancer syndrome. Last evaluated: 2026-02-02. Review status: criteria provided, single submitter. Criteria: Invitae Variant Classification Sherloc (09022015). Collection method: clinical testing. Allele origin: germline. Not counted in ClinVar's aggregate classification.
Comment: This sequence change creates a premature translational stop signal (p.Ala3270Profs*5) in the BRCA2 gene. While this is not anticipated to result in nonsense mediated decay, it is expected to disrupt the last 149 amino acid(s) of the BRCA2 protein. This variant is present in population databases (rs398122622, gnomAD 0.003%). This premature translational stop signal has been observed in individual(s) with BRCA2-related conditions (PMID: 21520333). ClinVar contains an entry for this variant (Variation ID: 91534). This variant disrupts a region of the BRCA2 protein in which other variant(s) (p.Tyr3308*) have been determined to be pathogenic (PMID: 17026620, 18593900, 18607349, 22711857). This suggests that this is a clinically significant region of the protein, and that variants that disrupt it are likely to be disease-causing. For these reasons, this variant has been classified as Pathogenic.

Ambry Genetics
Classification: Pathogenic for Hereditary cancer-predisposing syndrome. Last evaluated: 2022-08-05. Review status: criteria provided, single submitter. Criteria: Ambry Variant Classification Scheme 2023. Collection method: clinical testing. Allele origin: germline. Not counted in ClinVar's aggregate classification.
Comment: The c.9808delG (also known as 10036delG) pathogenic mutation, located in coding exon 26 of the BRCA2 gene, results from a deletion of one nucleotide at nucleotide position 9808, causing a translational frameshift with a predicted alternate stop codon. This alteration occurs at the 3' terminus of theBRCA2 gene, is not expected to trigger nonsense-mediated mRNA decay, and only impacts the last 149 amino acids of the protein. However, premature stop codons are typically deleterious in nature and the impacted region is critical for protein function (Ambry internal data). Based on the supporting evidence, this alteration is interpreted as a disease-causing mutation.

GeneDx
Classification: Pathogenic. Last evaluated: 2019-09-23. Review status: criteria provided, single submitter. Criteria: GeneDx Variant Classification Process June 2021. Collection method: clinical testing. Allele origin: germline. Affected: yes. Not counted in ClinVar's aggregate classification.
Comment: Frameshift variant in the C-terminus predicted to result in protein truncation, as the last 149 amino acids are lost and replaced with 4 incorrect amino acids; Considered pathogenic by a well-established clinical consortium and/or database (ClinVar SCV000301415.2); Not observed at a significant frequency in large population cohorts (Lek 2016); Has not been previously published to our knowledge; This variant is associated with the following publications: (PMID: 29922827, 22144684)

Women's Health and Genetics/Laboratory Corporation of America, LabCorp
Classification: Pathogenic for Hereditary breast and ovarian cancer syndrome. Last evaluated: 2019-09-09. Review status: criteria provided, single submitter. Criteria: LabCorp Variant Classification Summary - May 2015. Collection method: clinical testing. Allele origin: germline. Not counted in ClinVar's aggregate classification.
Comment: Variant summary: BRCA2 c.9808delG (p.Ala3270ProfsX5) results in a premature termination codon, predicted to cause a truncation of the encoded protein or absence of the protein due to nonsense mediated decay, which are commonly known mechanisms for disease. A truncation downstream of this position has been classified as pathogenic by our laboratory. The variant allele was found at a frequency of 4e-06 in 251388 control chromosomes (gnomAD). c.9808delG has been reported in the literature in individuals affected with Hereditary Breast and Ovarian Cancer (Rebbeck_2018, Feliubadalo_2019). These data indicate that the variant may be associated with disease. To our knowledge, no experimental evidence demonstrating an impact on protein function has been reported. Four ClinVar submissions (evaluation after 2014, including one expert panel-ENIGMA) cite the variant as pathogenic. Based on the evidence outlined above, the variant was classified as pathogenic.

Color Diagnostics, LLC DBA Color Health
Classification: Likely pathogenic for Hereditary cancer-predisposing syndrome. Last evaluated: 2019-07-16. Review status: criteria provided, single submitter. Criteria: ACMG Guidelines, 2015. Collection method: clinical testing. Allele origin: germline. Not counted in ClinVar's aggregate classification.
Comment: This variant deletes 1 nucleotide in exon 27 of the BRCA2 gene, creating a frameshift and premature translation stop signal in the last coding exon. This mutant transcript is predicted to escape nonsense-mediated decay and be expressed as a truncated protein. Although functional studies have not been performed, this variant is expected to disrupt the RAD51 binding domain. This domain has been reported to be essential for homologous recombination and DNA repair (PMID: 17515903). In addition, truncating variants occurring downstream of this variant are known to be disease-causing (ClinVar variation ID: 52916, 267176). To our knowledge, this variant has not been reported in individuals affected with hereditary cancer in the literature. This variant has been identified in 1/251388 chromosomes in the general population by the Genome Aggregation Database (gnomAD). Based on the available evidence, this variant is classified as Likely Pathogenic.

Consortium of Investigators of Modifiers of BRCA1/2 (CIMBA), c/o University of Cambridge
Classification: Pathogenic for Breast-ovarian cancer, familial, susceptibility to, 2. Last evaluated: 2015-10-02. Review status: criteria provided, single submitter. Criteria: CIMBA Mutation Classification guidelines May 2016. Collection method: clinical testing. Allele origin: germline. Not counted in ClinVar's aggregate classification.

Sharing Clinical Reports Project (SCRP)
Classification: Pathogenic for Breast-ovarian cancer, familial 2. Last evaluated: 2012-10-02. Review status: no assertion criteria provided. Collection method: clinical testing. Allele origin: germline. Not counted in ClinVar's aggregate classification.

Literature cited by the submitters: PubMed 21520333 (cited by Labcorp Genetics (formerly Invitae), Labcorp); PubMed 17026620 (cited by Labcorp Genetics (formerly Invitae), Labcorp); PubMed 18593900 (cited by Labcorp Genetics (formerly Invitae), Labcorp); PubMed 18607349 (cited by Labcorp Genetics (formerly Invitae), Labcorp); PubMed 22711857 (cited by Labcorp Genetics (formerly Invitae), Labcorp); PubMed 29446198 (cited by Women's Health and Genetics/Laboratory Corporation of America, LabCorp); PubMed 30927264 (cited by Women's Health and Genetics/Laboratory Corporation of America, LabCorp).